The following is an entry in ClinVar:

NM_000486.6(AQP2):c.448G>A (p.Asp150Asn)

Genes: AQP2 (aquaporin 2; plus strand), AQP5-AS1 (AQP5 and AQP2 antisense RNA 2; minus strand). Cytogenetic location: 12q13.12.
Variant type: single nucleotide variant.
Coding change: c.448G>A on transcript NM_000486.6 (MANE Select); coding-DNA position 448, G replaced by A.
Protein change: p.Asp150Asn; replaces aspartic acid 150 with asparagine.
Molecular consequence: missense variant. On other transcripts: non-coding transcript variant (1).
Genome position (GRCh38, 1-based): chr12:49,954,242, G>A. VCF-style: chr12-49954242-G-A. GRCh37 (hg19) VCF-style: chr12-50348025-G-A.
Other names: short protein forms D150N.
Identifiers: ClinVar variation 3902461 (VCV003902461.1).

ClinVar aggregate classification (germline): Uncertain significance (1 of 4 stars; one submission).

gnomAD v4.1: 18 of 1,606,166 alleles (0.0011%); highest among the groups gnomAD compares: African/African-American, 0.0027%; no homozygotes.

Submission:

Women's Health and Genetics/Laboratory Corporation of America, LabCorp
Classification: Uncertain significance. Last evaluated: 2025-05-06. Review status: criteria provided, single submitter. Criteria: LabCorp Variant Classification Summary - May 2015. Collection method: clinical testing. Allele origin: germline.
Comment: Variant summary: AQP2 c.448G>A (p.Asp150Asn) results in a conservative amino acid change in the encoded protein sequence. Algorithms developed to predict the effect of missense changes on protein structure and function are either unavailable or do not agree on the potential impact of this missense change. The variant allele was found at a frequency of 1.1e-05 in 1599202 control chromosomes (gnomAD v4.1). This frequency is not significantly higher than estimated for a pathogenic variant in AQP2 causing Nephrogenic Diabetes Insipidus (0.00079), allowing no conclusion about variant significance. To our knowledge, no occurrence of c.448G>A in individuals affected with Nephrogenic Diabetes Insipidus and no experimental evidence demonstrating its impact on protein function have been reported. A different missense affecting the same amino acid (p.Asp150Glu) has been reported in affected individuals (HGMD) and was classified as likely pathogenic by our lab and others in ClinVar (Variation ID 441134), suggesting that this residue might be important for protein function. No submitters have cited clinical-significance assessments for this variant to ClinVar. Based on the evidence outlined above, the variant was classified as uncertain significance.